The following is an entry in ClinVar:

ClinVar aggregate classification (germline): Pathogenic (1 of 4 stars; one submission).

Submission:

Labcorp Genetics (formerly Invitae), Labcorp
Classification: Pathogenic. Last evaluated: 2023-12-19. Review status: criteria provided, single submitter. Criteria: Invitae Variant Classification Sherloc (09022015). Collection method: clinical testing. Allele origin: germline.
Comment: This sequence change creates a premature translational stop signal (p.Gln347*) in the VDR gene. While this is not anticipated to result in nonsense mediated decay, it is expected to disrupt the last 81 amino acid(s) of the VDR protein. This variant is not present in population databases (gnomAD no frequency). This variant has not been reported in the literature in individuals affected with VDR-related conditions. This variant disrupts a region of the VDR protein in which other variant(s) (p.Arg391His) have been determined to be pathogenic (PMID: 24859502). This suggests that this is a clinically significant region of the protein, and that variants that disrupt it are likely to be disease-causing. For these reasons, this variant has been classified as Pathogenic.

Literature cited by the submitters: PubMed 24859502.

NM_000376.3(VDR):c.1039C>T (p.Gln347Ter)

Gene: VDR (vitamin D receptor; minus strand). Cytogenetic location: 12q13.11.
Variant type: single nucleotide variant.
Coding change: c.1039C>T on transcript NM_000376.3 (MANE Select); coding-DNA position 1039, C replaced by T.
Protein change: p.Gln347Ter; replaces glutamine 347 with a stop codon.
Molecular consequence: nonsense.
Genome position (GRCh38, 1-based): chr12:47,844,991, G>A on the plus strand (C>T on the coding strand, the complement: VDR is on the minus strand). VCF-style: chr12-47844991-G-A. GRCh37 (hg19) VCF-style: chr12-48238774-G-A.
Other names: c.1039C>T, p.Gln347Ter (NM_001017535.2, NM_001364085.2, NM_001374661.1 and 1 more transcripts); c.1189C>T, p.Gln397Ter (NM_001017536.2); short protein forms Q347*, Q397*.
Identifiers: ClinVar variation 2704201 (VCV002704201.3), dbSNP rs2539965571, ClinGen allele CA384514625.